The following is an entry in ClinVar:

ClinVar aggregate classification (germline): Uncertain significance. Review status: criteria provided, multiple submitters, no conflicts (2 of 4 stars). 4 submissions from 4 submitters: Uncertain significance (4). Last evaluated 2024-01-25.

Conditions:
Hennekam lymphangiectasia-lymphedema syndrome 2 (HKLLS2). Identifiers: Orphanet 2136, MedGen C4014939, MONDO:0014454, OMIM 616006.
Van Maldergem syndrome 2 (VMLDS2). Identifiers: Orphanet 314679, MedGen C3809875, MONDO:0014242, OMIM 615546.
Inborn genetic diseases. Identifiers: MedGen C0950123, MeSH D030342.

Allele frequency attached by ClinVar (database versions not stated): ExAC 0.00002; gnomAD 0.00003 and 0.00004; gnomAD exomes 0.00004 and 0.00006; TOPMed 0.00005; ESP Exome Variant Server 0.00017.
gnomAD v4.1: 56 of 1,613,916 alleles (0.0035%); highest among the groups gnomAD compares: Admixed American, 0.013%; no homozygotes.

Submissions (4):

GeneDx
Classification: Uncertain significance. Last evaluated: 2024-01-25. Review status: criteria provided, single submitter. Criteria: GeneDx Variant Classification Process June 2021. Collection method: clinical testing. Allele origin: germline. Affected: yes.
Comment: In silico analysis supports that this missense variant has a deleterious effect on protein structure/function; Has not been previously published as pathogenic or benign to our knowledge; This variant is associated with the following publications: (PMID: Shinwari_2023[Article])

Labcorp Genetics (formerly Invitae), Labcorp
Classification: Uncertain significance. Last evaluated: 2022-07-18. Review status: criteria provided, single submitter. Criteria: Invitae Variant Classification Sherloc (09022015). Collection method: clinical testing. Allele origin: germline.
Comment: This sequence change replaces glycine, which is neutral and non-polar, with arginine, which is basic and polar, at codon 1361 of the FAT4 protein (p.Gly1361Arg). This variant is present in population databases (rs200361960, gnomAD 0.02%). This variant has not been reported in the literature in individuals affected with FAT4-related conditions. ClinVar contains an entry for this variant (Variation ID: 1496370). Advanced modeling of protein sequence and biophysical properties (such as structural, functional, and spatial information, amino acid conservation, physicochemical variation, residue mobility, and thermodynamic stability) performed at Invitae indicates that this missense variant is not expected to disrupt FAT4 protein function. Algorithms developed to predict the effect of sequence changes on RNA splicing suggest that this variant may create or strengthen a splice site. In summary, the available evidence is currently insufficient to determine the role of this variant in disease. Therefore, it has been classified as a Variant of Uncertain Significance.

Fulgent Genetics
Classification: Uncertain significance for Van Maldergem syndrome 2; Hennekam lymphangiectasia-lymphedema syndrome 2. Last evaluated: 2022-03-28. Review status: criteria provided, single submitter. Criteria: ACMG Guidelines, 2015. Collection method: clinical testing. Allele origin: unknown.

Ambry Genetics
Classification: Uncertain significance for Inborn genetic diseases. Last evaluated: 2021-04-22. Review status: criteria provided, single submitter. Criteria: Ambry Variant Classification Scheme 2023. Collection method: clinical testing. Allele origin: germline.

NM_001291303.3(FAT4):c.4081G>A (p.Gly1361Arg)

Gene: FAT4 (FAT atypical cadherin 4; plus strand). Cytogenetic location: 4q28.1.
Variant type: single nucleotide variant.
Coding change: c.4081G>A on transcript NM_001291303.3 (MANE Select); coding-DNA position 4081, G replaced by A.
Protein change: p.Gly1361Arg; replaces glycine 1361 with arginine.
Molecular consequence: missense variant.
Genome position (GRCh38, 1-based): chr4:125,320,492, G>A. VCF-style: chr4-125320492-G-A. GRCh37 (hg19) VCF-style: chr4-126241647-G-A.
Other names: c.4081G>A, p.Gly1361Arg (NM_001291285.3, NM_024582.6); c.4081G>A (NM_024582.4); short protein forms G1361R.
Identifiers: ClinVar variation 1496370 (VCV001496370.8), dbSNP rs200361960, ClinGen allele CA3072412.